The following is an entry in ClinVar:

NM_001110556.2(FLNA):c.695C>G (p.Ala232Gly)

Gene: FLNA (filamin A; minus strand). Cytogenetic location: Xq28.
Variant type: single nucleotide variant.
Coding change: c.695C>G on transcript NM_001110556.2 (MANE Select); coding-DNA position 695, C replaced by G.
Protein change: p.Ala232Gly; replaces alanine 232 with glycine.
Molecular consequence: missense variant.
Genome position (GRCh38, 1-based): chrX:154,367,666, G>C on the plus strand (C>G on the coding strand, the complement: FLNA is on the minus strand). VCF-style: chrX-154367666-G-C. GRCh37 (hg19) VCF-style: chrX-153596034-G-C.
Other names: c.695C>G, p.Ala232Gly (NM_001456.4); short protein forms A232G.
Identifiers: ClinVar variation 2941782 (VCV002941782.3), dbSNP rs2067772758, ClinGen allele CA415248786.

ClinVar aggregate classification (germline): Uncertain significance (1 of 4 stars; one submission).

Conditions:
Oto-palato-digital syndrome, type II (OPD2). Also called: FACIOPALATOOSSEOUS SYNDROME; OPD II SYNDROME; Otopalatodigital Syndrome, Type II; Otopalatodigital Syndrome Type 2 (FLNA-OPD2). Identifiers: Orphanet 669, Orphanet 90652, MedGen C1844696, MONDO:0010571, OMIM 304120.
Heterotopia, periventricular, X-linked dominant (PVNH1). Also called: PERIVENTRICULAR NODULAR HETEROTOPIA 1; X-linked periventricular heterotopia; PERIVENTRICULAR NODULAR HETEROTOPIA 4; HETEROTOPIA, PERIVENTRICULAR, 1. Identifiers: Orphanet 2149, Orphanet 82004, MedGen C1848213, MONDO:0010233, OMIM 300049.
Frontometaphyseal dysplasia (FMD1). Identifiers: Orphanet 1826, MedGen C0265293, MONDO:0015942.
Melnick-Needles syndrome (MNS). Also called: MELNICK-NEEDLES OSTEODYSPLASTY; OSTEODYSPLASTY OF MELNICK AND NEEDLES; Melnick-Needles Syndrome (FLNA-MNS). Identifiers: Orphanet 2484, MedGen C0025237, MONDO:0010650, OMIM 309350.

Submission:

Labcorp Genetics (formerly Invitae), Labcorp
Classification: Uncertain significance for Oto-palato-digital syndrome, type II; Heterotopia, periventricular, X-linked dominant; Frontometaphyseal dysplasia; Melnick-Needles syndrome. Last evaluated: 2022-11-23. Review status: criteria provided, single submitter. Criteria: Invitae Variant Classification Sherloc (09022015). Collection method: clinical testing. Allele origin: germline.
Comment: Advanced modeling of protein sequence and biophysical properties (such as structural, functional, and spatial information, amino acid conservation, physicochemical variation, residue mobility, and thermodynamic stability) has been performed at Invitae for this missense variant, however the output from this modeling did not meet the statistical confidence thresholds required to predict the impact of this variant on FLNA protein function. This sequence change replaces alanine, which is neutral and non-polar, with glycine, which is neutral and non-polar, at codon 232 of the FLNA protein (p.Ala232Gly). This variant is not present in population databases (gnomAD no frequency). This variant has not been reported in the literature in individuals affected with FLNA-related conditions. In summary, the available evidence is currently insufficient to determine the role of this variant in disease. Therefore, it has been classified as a Variant of Uncertain Significance.